The following is an entry in ClinVar:

NM_006648.4(WNK2):c.199C>G (p.Pro67Ala)

Gene: WNK2 (WNK lysine deficient protein kinase 2; plus strand). Cytogenetic location: 9q22.31.
Variant type: single nucleotide variant.
Coding change: c.199C>G on transcript NM_006648.4 (MANE Select); coding-DNA position 199, C replaced by G.
Protein change: p.Pro67Ala; replaces proline 67 with alanine.
Molecular consequence: missense variant.
Genome position (GRCh38, 1-based): chr9:93,185,128, C>G. VCF-style: chr9-93185128-C-G. GRCh37 (hg19) VCF-style: chr9-95947410-C-G.
Other names: c.199C>G, p.Pro67Ala (NM_001282394.3); short protein forms P67A.
Identifiers: ClinVar variation 3816564 (VCV003816564.1).

ClinVar aggregate classification (germline): Uncertain significance (1 of 4 stars; one submission).

Submission:

Ambry Genetics
Classification: Uncertain significance. Last evaluated: 2024-12-20. Review status: criteria provided, single submitter. Criteria: Ambry Variant Classification Scheme 2023. Collection method: clinical testing. Allele origin: germline.
Comment: The p.P67A variant (also known as c.199C>G), located in coding exon 1 of the WNK2 gene, results from a C to G substitution at nucleotide position 199. The proline at codon 67 is replaced by alanine, an amino acid with highly similar properties. This amino acid position is conserved. In addition, this alteration is predicted to be tolerated by in silico analysis. Based on the available evidence, the clinical significance of this variant remains unclear.